The following is an entry in ClinVar:

ClinVar aggregate classification (germline): Pathogenic/Likely pathogenic. Review status: criteria provided, multiple submitters, no conflicts (2 of 4 stars). 7 submissions from 6 submitters: Pathogenic (3); Likely pathogenic (3). 1 of the submissions does not count toward it. Last evaluated 2026-01-05.

Conditions:
Pendred syndrome (PDS). Also called: THYROID DYSHORMONOGENESIS 2B; THYROID HORMONOGENESIS, GENETIC DEFECT IN, 2B; DEAFNESS WITH GOITER; GOITER-DEAFNESS SYNDROME; HYPOTHYROIDISM, CONGENITAL, DUE TO DYSHORMONOGENESIS, 2B; Pendred's syndrome. Identifiers: Orphanet 705, MedGen C0271829, MONDO:0010134, OMIM 274600.
Autosomal recessive nonsyndromic hearing loss 4 (DFNB4). Also called: Enlarged vestibular aqueduct, digenic; NEUROSENSORY NONSYNDROMIC RECESSIVE DEAFNESS 4; FOXI1-Related Pendred Syndrome; KCNJ10-Related Pendred Syndrome; Nonsyndromic enlarged vestibular aqueduct (NSEVA); Deafness, autosomal recessive 4, with enlarged vestibular aqueduct. Identifiers: Orphanet 90636, MedGen C3538946, MONDO:0010933, OMIM 600791.

Allele frequency attached by ClinVar (database versions not stated): gnomAD 0.00001; gnomAD exomes 0.00001 and 0.00002; TOPMed 0.00001.
gnomAD v4.1: 26 of 1,613,826 alleles (0.0016%); highest among the groups gnomAD compares: East Asian, 0.0022%; no homozygotes.

Submissions (7):

Natera, Inc.
Classification: Likely pathogenic for Pendred syndrome. Last evaluated: 2026-01-05. Review status: criteria provided, single submitter. Criteria: Natera Variant Classification Schema (03/2026). Collection method: clinical testing. Allele origin: germline.
Comment: The c.563T>C variant in SLC26A4 is a missense variant predicted to cause substitution of isoleucine to threonine at amino acid 188. This variant is rare in the general population with a frequency below the threshold expected for the associated phenotype(s). This variant has been observed in one or more individuals affected with the associated recessive disease, as either homozygous or compound heterozygous with a second variant (PMID: 31541171, 25372295, 25372295, 27247933). This variant has been found together with another disease-causing variant in the same copy of the gene (PMID: 27863619, 35939872, 33540994). Computational prediction algorithms indicate this variant is likely to affect gene or protein function. Given the available evidence, this variant is classified as Likely Pathogenic.

Baylor Genetics
Classification: Likely pathogenic for Autosomal recessive nonsyndromic hearing loss 4. Last evaluated: 2024-03-14. Review status: criteria provided, single submitter. Criteria: ACMG Guidelines, 2015. Collection method: clinical testing. Allele origin: unknown.

Fulgent Genetics
Classification: Pathogenic for Pendred syndrome; Autosomal recessive nonsyndromic hearing loss 4. Last evaluated: 2024-03-06. Review status: criteria provided, single submitter. Criteria: ACMG Guidelines, 2015. Collection method: clinical testing. Allele origin: germline.

Women's Health and Genetics/Laboratory Corporation of America, LabCorp
Classification: Pathogenic for Pendred syndrome. Last evaluated: 2022-02-21. Review status: criteria provided, single submitter. Criteria: LabCorp Variant Classification Summary - May 2015. Collection method: clinical testing. Allele origin: germline.
Comment: Variant summary: SLC26A4 c.563T>C (p.Ile188Thr) results in a non-conservative amino acid change located in the SLC26A/SulP transporter domain (IPR011547) of the encoded protein sequence. Four of five in-silico tools predict a damaging effect of the variant on protein function. The variant allele was found at a frequency of 1.2e-05 in 251452 control chromosomes (gnomAD). c.563T>C has been reported in the literature in multiple individuals affected with enlargement of vestibular aqueduct and nonsyndromic hearing loss (e.g. Huang_2011, Zhao_2014, Zhang_2016). These data indicate that the variant is very likely to be associated with disease. To our knowledge, no experimental evidence demonstrating an impact on protein function has been reported. A ClinVar submitter (evaluation after 2014) cites the variant as likely pathogenic. Based on the evidence outlined above, the variant was classified as pathogenic.

Baylor Genetics
Classification: Likely pathogenic for Pendred syndrome. Review status: criteria provided, single submitter. Criteria: ACMG Guidelines, 2015. Collection method: clinical testing. Allele origin: germline.

Juno Genomics, Hangzhou Juno Genomics, Inc
Classification: Pathogenic for Autosomal recessive nonsyndromic hearing loss 4; Pendred syndrome. Review status: criteria provided, single submitter. Criteria: ACMG Guidelines, 2015. Collection method: clinical testing. Allele origin: germline.
Comment: Absent from controls (or at extremely low frequency if recessive) in Genome Aggregation Database.;Multiple lines of computational evidence support a deleterious effect on the gene or gene product.;For recessive disorders, detected in trans with a pathogenic variant.

Counsyl
Classification: Likely pathogenic for Pendred syndrome. Last evaluated: 2017-04-03. Review status: no assertion criteria provided. Collection method: clinical testing. Allele origin: unknown. Not counted in ClinVar's aggregate classification.

Literature cited by the submitters: PubMed 31541171 (cited by Natera, Inc. and Women's Health and Genetics/Laboratory Corporation of America, LabCorp); PubMed 25372295 (cited by 3 submitters); PubMed 27247933 (cited by 3 submitters); PubMed 27863619 (cited by Natera, Inc. and Women's Health and Genetics/Laboratory Corporation of America, LabCorp); PubMed 35939872 (cited by Natera, Inc.); PubMed 33540994 (cited by Natera, Inc.); PubMed 21961810 (cited by Women's Health and Genetics/Laboratory Corporation of America, LabCorp and Counsyl); PubMed 23385134 (cited by Women's Health and Genetics/Laboratory Corporation of America, LabCorp and Counsyl).

NM_000441.2(SLC26A4):c.563T>C (p.Ile188Thr)

Gene: SLC26A4 (solute carrier family 26 member 4; plus strand). Cytogenetic location: 7q22.3.
Variant type: single nucleotide variant.
Coding change: c.563T>C on transcript NM_000441.2 (MANE Select); coding-DNA position 563, T replaced by C.
Protein change: p.Ile188Thr; replaces isoleucine 188 with threonine.
Molecular consequence: missense variant.
Genome position (GRCh38, 1-based): chr7:107,674,311, T>C. VCF-style: chr7-107674311-T-C. GRCh37 (hg19) VCF-style: chr7-107314756-T-C.
Other names: short protein forms I188T.
Identifiers: ClinVar variation 551311 (VCV000551311.10), dbSNP rs1205712508, ClinGen allele CA368848334.
Genomic context (GRCh38, chr7:107,674,311, plus strand): 5'-GAACTGTATTAAATACTACTATGATAGACACTGCAGCTAGAGATACAGCTAGAGTCCTGA[T>C]TGCCAGTGCCCTGACTCTGCTGGTTGGAATTATACAGGTAATGAACTTACAAGTAAAATA-3'
Protein context (NP_000432.1, residues 178-198): TAARDTARVL[Ile188Thr]ASALTLLVGI